The following is an entry in ClinVar:

ClinVar aggregate classification (germline): Uncertain significance (1 of 4 stars; one submission).

Conditions:
Fanconi anemia (FA). Also called: Fanconi's anemia. Identifiers: Orphanet 84, MedGen C0015625, MeSH D005199, MONDO:0019391.

Allele frequency attached by ClinVar (database versions not stated): gnomAD exomes 0.00001; TOPMed 0.00001.
gnomAD v4.1: 7 of 1,613,924 alleles (0.00043%); highest among the groups gnomAD compares: Non-Finnish European, 0.00059%; no homozygotes.

Submissions (2):

Labcorp Genetics (formerly Invitae), Labcorp
Classification: Uncertain significance for Fanconi anemia. Last evaluated: 2021-08-28. Review status: criteria provided, single submitter. Criteria: Invitae Variant Classification Sherloc (09022015). Collection method: clinical testing. Allele origin: germline.
Comment: This sequence change replaces alanine with valine at codon 789 of the FANCI protein (p.Ala789Val). The alanine residue is highly conserved and there is a small physicochemical difference between alanine and valine. This variant is not present in population databases (ExAC no frequency). This variant has not been reported in the literature in individuals affected with FANCI-related conditions. Algorithms developed to predict the effect of missense changes on protein structure and function are either unavailable or do not agree on the potential impact of this missense change (SIFT: "Deleterious"; PolyPhen-2: "Benign"; Align-GVGD: "Class C0"). Algorithms developed to predict the effect of sequence changes on RNA splicing suggest that this variant may create or strengthen a splice site. In summary, the available evidence is currently insufficient to determine the role of this variant in disease. Therefore, it has been classified as a Variant of Uncertain Significance.

Dr. Peter K. Rogan Lab, Western University
No classification provided (evidence only). Condition: Malignant tumor of urinary bladder. Review status: no classification provided. Collection method: in vitro. Allele origin: not applicable. Functional consequence: skipped exon. Not counted in ClinVar's aggregate classification.

NM_001113378.2(FANCI):c.2366C>T (p.Ala789Val)

Gene: FANCI (FA complementation group I; plus strand). Cytogenetic location: 15q26.1.
Variant type: single nucleotide variant.
Coding change: c.2366C>T on transcript NM_001113378.2 (MANE Select); coding-DNA position 2366, C replaced by T.
Protein change: p.Ala789Val; replaces alanine 789 with valine.
Molecular consequence: missense variant.
Genome position (GRCh38, 1-based): chr15:89,293,907, C>T. VCF-style: chr15-89293907-C-T. GRCh37 (hg19) VCF-style: chr15-89837138-C-T.
Other names: c.2087C>T, p.Ala696Val (NM_001376910.1); c.2366C>T, p.Ala789Val (NM_001376911.1, NM_018193.3); short protein forms A789V, A696V.
Identifiers: ClinVar variation 958261 (VCV000958261.8), dbSNP rs925359228, ClinGen allele CA274576263.